The following is an entry in ClinVar:

NM_001135649.3(FOXI3):c.77C>T (p.Ala26Val)

Gene: FOXI3 (forkhead box I3; minus strand). Cytogenetic location: 2p11.2.
Variant type: single nucleotide variant.
Coding change: c.77C>T on transcript NM_001135649.3 (MANE Select); coding-DNA position 77, C replaced by T.
Protein change: p.Ala26Val; replaces alanine 26 with valine.
Molecular consequence: missense variant.
Genome position (GRCh38, 1-based): chr2:88,452,459, G>A on the plus strand (C>T on the coding strand, the complement: FOXI3 is on the minus strand). VCF-style: chr2-88452459-G-A. GRCh37 (hg19) VCF-style: chr2-88751977-G-A.
Other names: short protein forms A26V.
Identifiers: ClinVar variation 1974097 (VCV001974097.5), dbSNP rs1676071150, ClinGen allele CA347767100.

ClinVar aggregate classification (germline): Uncertain significance (1 of 4 stars; one submission).

Allele frequency attached by ClinVar (database versions not stated): gnomAD exomes 0.00002.
gnomAD v4.1: 14 of 1,063,446 alleles (0.0013%); highest among the groups gnomAD compares: African/African-American, 0.0017%; no homozygotes.

Submission:

Labcorp Genetics (formerly Invitae), Labcorp
Classification: Uncertain significance. Last evaluated: 2025-01-27. Review status: criteria provided, single submitter. Criteria: Invitae Variant Classification Sherloc (09022015). Collection method: clinical testing. Allele origin: germline.
Comment: This sequence change replaces alanine, which is neutral and non-polar, with valine, which is neutral and non-polar, at codon 26 of the FOXI3 protein (p.Ala26Val). The frequency data for this variant in the population databases is considered unreliable, as metrics indicate insufficient coverage at this position in the gnomAD database. This variant has not been reported in the literature in individuals affected with FOXI3-related conditions. ClinVar contains an entry for this variant (Variation ID: 1974097). Experimental studies and prediction algorithms are not available or were not evaluated, and the functional significance of this variant is currently unknown. In summary, the available evidence is currently insufficient to determine the role of this variant in disease. Therefore, it has been classified as a Variant of Uncertain Significance.